The following continues an entry in ClinVar:

NM_000304.4(PMP22):c.353C>T (p.Thr118Met)

Gene: PMP22. ClinVar aggregate classification (germline): Conflicting classifications of pathogenicity. Likely pathogenic (1); Uncertain significance (19); Benign (1); Likely benign (1).

Submissions 15 to 28 of 28:

Practice for Gait Abnormalities, David Pomarino, Competency Network Toe Walking C/o Practice Pomarino
Classification: Likely pathogenic for Tip-toe gait. Last evaluated: 2021-03-05. Review status: criteria provided, single submitter. Criteria: ACMG Guidelines, 2015. Collection method: clinical testing. Allele origin: unknown. Affected: yes.
Comment: The heterozygous variant c.353C> T p. (Thr118Met) was detected in the PMP22 gene [dbSNP rs104894619; frequency T = 0.468% (ExAC)]. In the literature [Shy (2006) Ann Neurol 59: 358; Keckarevic-Markovic (2009) J Peripher Nerv Syst 14: 125; Russo (2011) Neuromuscul Disord 21: 106 and Ho (2018) Case Rep Genet 2018: 2618071] this variant is associated with hereditary neuropathies. However, the authors refer to numerous older studies in which it is controversially discussed and in some cases it is assigned an unclear clinical effect up to and including classification as a non-pathological polymorphism. These very inconsistent and controversial classifications are reflected in the databases ClinVar [4x pathogenic, 13x VUS, 3x likely / benign] and LOVD [7x pathogenic, 5x VUS, 2x likely benign]. A "reduced penetrance" [Russo (2011) Neuromuscul Disord 21: 106] of the proven variant is being discussed, since it was also demonstrated in control groups of the studies. In addition, a partial loss of function was observed for the protein affected by the variant depending on the genotype [Shy (2006) Ann Neurol 59: 358]. Modulating effects due to variants in other genes cannot be ruled out either. Hereditary motor sensory neuropathy (HMSN), also known as Charcot-Marie-Tooth Disease (CMT), is the most commonly inherited peripheral polyneuropathy. It constitutes a group of inherited, progressive, motor and sensory peripheral nerve disorders with properties of demyelination, axonal degeneration, or both. It is classified by clinical characteristics, modes of inheritance, electrophysiologic features, metabolic defects, and specific gene markers. Our patients all walk on tiptoe, so they show similar symptoms. When we genetically test them with our toe walking panel, we find that around 90 per cent of them have a genetic variant that explains their toe walking. These can be assigned, for example, to the area of myopathies (such as variants of the COL6A3 gene), the area of hereditary neuropathies (such as variants of the KMT2C gene) or the area of metabolic diseases (such as variants of the PYGM gene). In a smaller group of patients with almost identical symptoms, no abnormality is found in the genes of our panel, but spastic paraplegia can be detected. In another small group of our toe walkers, no abnormalities can be detected in the genes analysed in our toe walking panel, nor do they suffer from spastic paraplegia, as is also the case with healthy children. In contrast to these, however, they show a tiptoe gait. These patients suffer from infantile cerebral palsy, in which toe walking can also be observed.

Department of Pathology and Laboratory Medicine, Sinai Health System
Classification: Uncertain significance for Charcot-Marie-Tooth disease, type IA; Charcot-Marie-Tooth disease type 1E; Guillain-Barre syndrome, familial; Dejerine-Sottas disease; Hereditary liability to pressure palsies; Roussy-Lévy syndrome. Last evaluated: 2020-07-16. Review status: criteria provided, single submitter. Criteria: ACMG Guidelines, 2015. Collection method: research. Allele origin: germline.

Institute of Human Genetics, University of Leipzig Medical Center
Classification: Uncertain significance for Charcot-Marie-Tooth disease, type IA. Last evaluated: 2018-10-29. Review status: criteria provided, single submitter. Criteria: ACMG Guidelines, 2015. Collection method: clinical testing. Allele origin: germline. Affected: yes. Observed: 1 variant allele.

Undiagnosed Diseases Network, NIH
Classification: Uncertain significance for Hereditary liability to pressure palsies. Last evaluated: 2018-07-04. Review status: criteria provided, single submitter. Criteria: ACMG Guidelines, 2015. Collection method: clinical testing. Allele origin: paternal. Inheritance: Autosomal dominant inheritance. Affected: yes. Observed: 2 variant alleles, 2 heterozygotes. Clinical features observed: Waddling gait (HP:0002515), Temperature instability (HP:0005968), Small for gestational age (HP:0001518), Seizures (HP:0001250), Restrictive ventilatory defect (HP:0002091), Recurrent infections (HP:0002719), Ptosis (HP:0000508), Prolonged neonatal jaundice (HP:0006579), Progressive inability to walk (HP:0002505), Peripheral neuropathy (HP:0009830), Obstructive sleep apnea syndrome (HP:0002870), Nasal, dysarthic speech (HP:0008376), and 21 more. Study: Undiagnosed Diseases Network (NIH), UDN.

Center for Pediatric Genomic Medicine, Children's Mercy Hospital and Clinics
Classification: Uncertain significance. Last evaluated: 2016-01-18. Review status: criteria provided, single submitter. Criteria: ACMG Guidelines, 2015. Collection method: clinical testing. Allele origin: germline.
ClinVar note: Converted during submission from Uncertain Significance to Uncertain significance.

Eurofins Ntd Llc (ga)
Classification: Uncertain significance. Last evaluated: 2015-08-24. Review status: criteria provided, single submitter. Criteria: EGL Classification Definitions 2015. Collection method: clinical testing. Allele origin: germline. Observed: 10 variant alleles, 6 heterozygotes.

Genetic Services Laboratory, University of Chicago
Classification: Uncertain significance. Last evaluated: 2015-07-31. Review status: criteria provided, single submitter. Criteria: ACMG Guidelines, 2015. Collection method: clinical testing. Allele origin: germline.

Molecular Genetics Laboratory, London Health Sciences Centre
Classification: Uncertain significance for Charcot-Marie-Tooth disease. Review status: criteria provided, single submitter. Criteria: ACMG Guidelines, 2015. Collection method: clinical testing. Allele origin: germline. Affected: yes.

GeneReviews
No classification provided. Condition: Charcot-Marie-Tooth disease, type IA. Review status: no classification provided. Collection method: literature only. Allele origin: unknown. Not counted in ClinVar's aggregate classification.

GeneReviews
No classification provided. Condition: Hereditary liability to pressure palsies. Review status: no classification provided. Collection method: literature only. Allele origin: germline. Not counted in ClinVar's aggregate classification.

Inherited Neuropathy Consortium
Classification: Uncertain significance for Hereditary liability to pressure palsies. Review status: no assertion criteria provided. Collection method: literature only. Allele origin: germline. Affected: yes. Not counted in ClinVar's aggregate classification.

Inherited Neuropathy Consortium
Classification: Uncertain significance for Charcot-Marie-Tooth disease. Review status: no assertion criteria provided. Collection method: provider interpretation. Allele origin: inherited. Affected: yes. Not counted in ClinVar's aggregate classification.

OMIM
Classification: Pathogenic for CHARCOT-MARIE-TOOTH DISEASE, TYPE 1A, AUTOSOMAL RECESSIVE. Last evaluated: 2009-03-01. Review status: flagged submission. Collection method: literature only. Allele origin: germline. Not counted in ClinVar's aggregate classification.
ClinVar note: Reason: Older and outlier claim with insufficient supporting evidence

OMIM
Classification: Pathogenic for NEUROPATHY, HEREDITARY, WITH LIABILITY TO PRESSURE PALSIES. Last evaluated: 2009-03-01. Review status: flagged submission. Collection method: literature only. Allele origin: germline. Not counted in ClinVar's aggregate classification.
ClinVar note: Reason: Older and outlier claim with insufficient supporting evidence

Literature cited by the submitters: PubMed 21228398 (cited by Women's Health and Genetics/Laboratory Corporation of America, LabCorp and Undiagnosed Diseases Network, NIH); PubMed 26392352 (cited by 3 submitters); PubMed 31664448 (cited by Women's Health and Genetics/Laboratory Corporation of America, LabCorp); PubMed 19691535 (cited by 3 submitters); PubMed 8252046 (cited by 6 submitters); PubMed 21194947 (cited by 5 submitters); PubMed 27609586 (cited by Women's Health and Genetics/Laboratory Corporation of America, LabCorp); PubMed 10586280 (cited by 4 submitters); PubMed 16437560 (cited by 7 submitters); PubMed 36581210 (cited by 4 submitters); PubMed 26102530 (cited by Women's Health and Genetics/Laboratory Corporation of America, LabCorp and Athena Diagnostics); PubMed 40488457 (cited by Women's Health and Genetics/Laboratory Corporation of America, LabCorp); PubMed 8988161 (cited by 4 submitters); PubMed 26012543 (cited by Labcorp Genetics (formerly Invitae), Labcorp and Athena Diagnostics); PubMed 10078969 (cited by 3 submitters); PubMed 7649472 (cited by Labcorp Genetics (formerly Invitae), Labcorp and Athena Diagnostics); PubMed 11081809 (cited by Athena Diagnostics); PubMed 11545686 (cited by Athena Diagnostics); PubMed 14502374 (cited by Athena Diagnostics); PubMed 19067730 (cited by 4 submitters); PubMed 9452099 (cited by Athena Diagnostics); PubMed 32376792 (cited by Athena Diagnostics); PubMed 36539320 (cited by Athena Diagnostics and Mayo Clinic Laboratories, Mayo Clinic); PubMed 37703609 (cited by Mayo Clinic Laboratories, Mayo Clinic); PubMed 38871447 (cited by Mayo Clinic Laboratories, Mayo Clinic); PubMed 39333051 (cited by Mayo Clinic Laboratories, Mayo Clinic); PubMed 37091313 (cited by Practice for Gait Abnormalities, David Pomarino, Competency Network Toe Walking C/o Practice Pomarino); PubMed 20301384 (cited by GeneReviews); NCBI Bookshelf NBK1205 (cited by GeneReviews); PubMed 24646194 (cited by GeneReviews); NCBI Bookshelf NBK1392 (cited by GeneReviews); Bathke, K. D., Ekici, A., Liehr, T., Grehl, H., Lupski, J. R., Neundorfer, B., Rautenstrauss, B. The hemizygous thr118met amino acid exchange in peripheral myelin protein 22: recessive Charcot-Marie-Tooth (CMT) disease type 1 mutation or polymorphism? (Abstract) Am. J. Hum. Genet. 59 (suppl.): A248-only, 1996. (cited by OMIM).